The following is an entry in ClinVar:

ClinVar aggregate classification (germline): Pathogenic (1 of 4 stars; one submission).

Submission:

Labcorp Genetics (formerly Invitae), Labcorp
Classification: Pathogenic. Last evaluated: 2023-03-30. Review status: criteria provided, single submitter. Criteria: Invitae Variant Classification Sherloc (09022015). Collection method: clinical testing. Allele origin: germline.
Comment: For these reasons, this variant has been classified as Pathogenic. This variant disrupts the p.Asn123 amino acid residue in KRT14. Other variant(s) that disrupt this residue have been observed in individuals with KRT14-related conditions (PMID: 14987259, 28561874, 32484238), which suggests that this may be a clinically significant amino acid residue. An algorithm developed to predict the effect of missense changes on protein structure and function (PolyPhen-2) suggests that this variant is likely to be disruptive. This missense change has been observed in individual(s) with epidermolysis bullosa simplex (EBS) (PMID: 16098032). In at least one individual the variant was observed to be de novo. This sequence change replaces asparagine, which is neutral and polar, with serine, which is neutral and polar, at codon 123 of the KRT14 protein (p.Asn123Ser). Information on the frequency of this variant in the gnomAD database is not available, as this variant may be reported differently in the database.

Literature cited by the submitters: PubMed 14987259; PubMed 28561874; PubMed 32484238; PubMed 16098032.

NM_000526.5(KRT14):c.368_369delinsGC (p.Asn123Ser)

Gene: KRT14 (keratin 14; minus strand). Cytogenetic location: 17q21.2.
Variant type: Indel.
Coding change: c.368_369delinsGC on transcript NM_000526.5 (MANE Select); coding-DNA positions 368 to 369, AT replaced by GC.
Protein change: p.Asn123Ser; replaces asparagine 123 with serine.
Molecular consequence: missense variant.
Genome position (GRCh38, 1-based): chr17:41,586,466-41,586,467, AT replaced by GC on the plus strand (AT replaced by GC on the coding strand, the reverse complement: KRT14 is on the minus strand). VCF-style: chr17-41586466-AT-GC. GRCh37 (hg19) VCF-style: chr17-39742718-AT-GC.
Other names: short protein forms N123S.
Identifiers: ClinVar variation 2851007 (VCV002851007.3), dbSNP rs2508736439, ClinGen allele CA2739267536.